The following is an entry in ClinVar:

NM_000348.4(SRD5A2):c.*849A>G

Gene: SRD5A2 (steroid 5 alpha-reductase 2; minus strand). Cytogenetic location: 2p23.1.
Variant type: single nucleotide variant.
Coding change: c.*849A>G on transcript NM_000348.4 (MANE Select); 849 bases downstream of the stop codon, A replaced by G.
Molecular consequence: 3 prime UTR variant.
Genome position (GRCh38, 1-based): chr2:31,525,347, T>C on the plus strand (A>G on the coding strand, the complement: SRD5A2 is on the minus strand). VCF-style: chr2-31525347-T-C. GRCh37 (hg19) VCF-style: chr2-31750417-T-C.
Identifiers: ClinVar variation 97417 (VCV000097417.6), dbSNP rs9332975, ClinGen allele CA224926.

ClinVar aggregate classification (germline): Benign. Review status: criteria provided, multiple submitters, no conflicts (2 of 4 stars). 3 submissions from 3 submitters: Benign (2). 1 of the submissions does not count toward it. Last evaluated 2018-01-13.

Conditions:
3-Oxo-5 alpha-steroid delta 4-dehydrogenase deficiency (PPSH). Also called: 46,XY disorder of sex development due to 5-alpha-reductase 2 deficiency; PSEUDOVAGINAL PERINEOSCROTAL HYPOSPADIAS; FAMILIAL INCOMPLETE MALE PSEUDOHERMAPHRODITISM, TYPE 2; MALE PSEUDOHERMAPHRODITISM DUE TO 5-ALPHA-REDUCTASE DEFICIENCY. Identifiers: Orphanet 753, MedGen C0268297, MONDO:0009923, OMIM 264600. Disease mechanism: loss of function.

Allele frequency attached by ClinVar (database versions not stated): gnomAD exomes 0.12929; gnomAD 0.13358 and 0.13522; 1000 Genomes Project 0.13359; 1000 Genomes Project 30x 0.13445; TOPMed 0.13780.
gnomAD v4.1: 29,846 of 226,138 alleles (13%); highest among the groups gnomAD compares: Middle Eastern, 21%; 2,248 homozygotes.

Submissions (3):

Illumina Laboratory Services, Illumina
Classification: Benign for 3-Oxo-5 alpha-steroid delta 4-dehydrogenase deficiency. Last evaluated: 2018-01-13. Review status: criteria provided, single submitter. Criteria: ICSL Variant Classification Criteria 13 December 2019. Collection method: clinical testing. Allele origin: germline.
Comment: This variant was observed in the ICSL laboratory as part of a predisposition screen in an ostensibly healthy population. It had not been previously curated by ICSL or reported in the Human Gene Mutation Database (HGMD: prior to June 1st, 2018), and was therefore a candidate for classification through an automated scoring system. Utilizing variant allele frequency, disease prevalence and penetrance estimates, and inheritance mode, an automated score was calculated to assess if this variant is too frequent to cause the disease. Based on the score and internal cut-off values, a variant classified as benign is not then subjected to further curation. The score for this variant resulted in a classification of benign for this disease.

Breakthrough Genomics
Classification: Benign. Review status: criteria provided, single submitter. Criteria: ACMG Guidelines, 2015. Collection method: not provided. Allele origin: germline. Inheritance: Autosomal recessive inheritance. Affected: yes.

University of Sydney Medical Foundation
No classification provided. Review status: no classification provided. Collection method: not provided. Allele origin: not provided. Not counted in ClinVar's aggregate classification.